The following is an entry in ClinVar:

ClinVar aggregate classification (germline): Pathogenic. Review status: criteria provided, single submitter (1 of 4 stars). 2 submissions from 1 submitter: Pathogenic (1). 1 of the submissions does not count toward it. Last evaluated 2022-08-23.

Conditions:
Disseminated atypical mycobacterial infection. Identifiers: MedGen C0694566.

Submissions (2):

Labcorp Genetics (formerly Invitae), Labcorp
Classification: Pathogenic for Disseminated atypical mycobacterial infection. Last evaluated: 2022-08-23. Review status: criteria provided, single submitter. Criteria: Invitae Variant Classification Sherloc (09022015). Collection method: clinical testing. Allele origin: germline.
Comment: This variant has not been reported in the literature in individuals affected with IFNGR1-related conditions. For these reasons, this variant has been classified as Pathogenic. A gross deletion of the genomic region encompassing the full coding sequence of the IFNGR1 gene has been identified. Loss-of-function variants in IFNGR1 are known to be pathogenic (PMID: 8960473, 9806040). The boundaries of this event are unknown as they extend beyond the assayed region for this gene and therefore may encompass additional genes.

Labcorp Genetics (formerly Invitae), Labcorp
Classification: Pathogenic. Last evaluated: 2022-08-23. Review status: flagged submission. Criteria: Invitae Variant Classification Sherloc (09022015). Collection method: clinical testing. Allele origin: germline. Not counted in ClinVar's aggregate classification.
Comment: A gross deletion of the genomic region encompassing the full coding sequence of the TNFAIP3 gene has been identified. Loss-of-function variants in TNFAIP3 are known to be pathogenic (PMID: 26642243). The boundaries of this event are unknown as they extend beyond the assayed region for this gene and therefore may encompass additional genes. Isolated whole-gene deletions of TNFAIP3 have not been reported in the literature. However, larger copy number events that include this gene have been reported (PMID: 29572183). For these reasons, this variant has been classified as Pathogenic.
ClinVar note: Reason: This record appears to be redundant with a more recent record from the same submitter.
ClinVar note: Notes: SCV002232003 appears to be redundant with SCV002242918.

Literature cited by the submitters: PubMed 8960473; PubMed 9806040; PubMed 26642243; PubMed 29572183.

NC_000006.11:g.(?_137143759)_(138202456_?)del

Genes: IFNGR1 (interferon gamma receptor 1; minus strand), IL20RA (interleukin 20 receptor subunit alpha; minus strand), IL22RA2 (interleukin 22 receptor subunit alpha 2; minus strand), LINC02539 (long intergenic non-protein coding RNA 2539; minus strand), OLIG3 (oligodendrocyte transcription factor 3; minus strand) and 3 more. Cytogenetic location: 6q23.3.
Variant type: Deletion.
Identifiers: ClinVar variation 1450358 (VCV001450358.5).